The following is an entry in ClinVar:

ClinVar aggregate classification (germline): Likely benign (1 of 4 stars; one submission).

gnomAD v4.1: 2 of 1,613,624 alleles (0.00012%); highest among the groups gnomAD compares: Non-Finnish European, 0.000085%; no homozygotes.

Submission:

CeGaT Center for Human Genetics Tuebingen
Classification: Likely benign. Last evaluated: 2023-11-01. Review status: criteria provided, single submitter. Criteria: CeGaT Center For Human Genetics Tuebingen Variant Classification Criteria Version 2. Collection method: clinical testing. Allele origin: germline. Affected: yes. Observed: 1 variant allele.
Comment: TUBB4B: PM2:Supporting, BP4, BP7

NM_006088.6(TUBB4B):c.1206C>A (p.Gly402=)

Gene: TUBB4B (tubulin beta 4B class IVb; plus strand). Cytogenetic location: 9q34.3.
Variant type: single nucleotide variant.
Coding change: c.1206C>A on transcript NM_006088.6 (MANE Select); coding-DNA position 1206, C replaced by A.
Protein change: p.Gly402=; no amino-acid change (glycine 402 retained).
Molecular consequence: synonymous variant.
Genome position (GRCh38, 1-based): chr9:137,243,424, C>A. VCF-style: chr9-137243424-C-A. GRCh37 (hg19) VCF-style: chr9-140137876-C-A.
Identifiers: ClinVar variation 2673209 (VCV002673209.23), dbSNP rs1588859620, ClinGen allele CA467943070.